The following is an entry in ClinVar:

NM_000486.6(AQP2):c.*121C>G

Genes: AQP2 (aquaporin 2; plus strand), AQP5-AS1 (AQP5 and AQP2 antisense RNA 2; minus strand). Cytogenetic location: 12q13.12.
Variant type: single nucleotide variant.
Coding change: c.*121C>G on transcript NM_000486.6 (MANE Select); 121 bases downstream of the stop codon, C replaced by G.
Molecular consequence: 3 prime UTR variant.
Genome position (GRCh38, 1-based): chr12:49,955,729, C>G. VCF-style: chr12-49955729-C-G. GRCh37 (hg19) VCF-style: chr12-50349512-C-G.
Identifiers: ClinVar variation 882358 (VCV000882358.5), dbSNP rs75528468, ClinGen allele CA236736203.

ClinVar aggregate classification (germline): Benign. Review status: criteria provided, multiple submitters, no conflicts (2 of 4 stars). 2 submissions from 2 submitters: Benign (2). Last evaluated 2018-01-12.

Conditions:
Diabetes insipidus, nephrogenic, autosomal (NDI2). Also called: Diabetes insipidus, nephrogenic, 2, autosomal; Nephrogenic Diabetes Insipidus, Type II. Identifiers: Orphanet 223, MedGen C1563706, MONDO:0007451, OMIM 125800.

Allele frequency attached by ClinVar (database versions not stated): 1000 Genomes Project 0.00599; 1000 Genomes Project 30x 0.00625; TOPMed 0.00645.
gnomAD v4.1: 1,636 of 1,292,720 alleles (0.13%); highest among the groups gnomAD compares: African/African-American, 2%; 14 homozygotes.

Submissions (2):

Illumina Laboratory Services, Illumina
Classification: Benign for Diabetes insipidus, nephrogenic, autosomal. Last evaluated: 2018-01-12. Review status: criteria provided, single submitter. Criteria: ICSL Variant Classification Criteria 13 December 2019. Collection method: clinical testing. Allele origin: germline.
Comment: This variant was observed in the ICSL laboratory as part of a predisposition screen in an ostensibly healthy population. It had not been previously curated by ICSL or reported in the Human Gene Mutation Database (HGMD: prior to June 1st, 2018), and was therefore a candidate for classification through an automated scoring system. Utilizing variant allele frequency, disease prevalence and penetrance estimates, and inheritance mode, an automated score was calculated to assess if this variant is too frequent to cause the disease. Based on the score and internal cut-off values, a variant classified as benign is not then subjected to further curation. The score for this variant resulted in a classification of benign for this disease.

Breakthrough Genomics
Classification: Benign. Review status: criteria provided, single submitter. Criteria: ACMG Guidelines, 2015. Collection method: not provided. Allele origin: germline. Inheritance: Autosomal dominant inheritance. Affected: yes.